The following is an entry in ClinVar:

NC_000009.12:g.133060642T>C

Gene: CEL (carboxyl ester lipase; plus strand). Cytogenetic location: 9q34.13.
Variant type: single nucleotide variant.
Genome position: GRCh38 VCF-style: chr9-133060642-T-C. GRCh37 (hg19) VCF-style: chr9-135936029-T-C.
Identifiers: ClinVar variation 2659662 (VCV002659662.24), dbSNP rs577403711, ClinGen allele CA200916587.

ClinVar aggregate classification (germline): Benign (1 of 4 stars; one submission).

Allele frequency attached by ClinVar (database versions not stated): 1000 Genomes Project 0.00120; TOPMed 0.00158; 1000 Genomes Project 30x 0.00172; gnomAD 0.00209; gnomAD exomes 0.00217.

Submission:

CeGaT Center for Human Genetics Tuebingen
Classification: Benign. Last evaluated: 2022-07-01. Review status: criteria provided, single submitter. Criteria: CeGaT Center For Human Genetics Tuebingen Variant Classification Criteria Version 2. Collection method: clinical testing. Allele origin: germline. Affected: yes. Observed: 2 variant alleles.
Comment: CEL: BS1, BS2